The following is an entry in ClinVar:

ClinVar aggregate classification (germline): Uncertain significance (1 of 4 stars; one submission).

Submission:

Women's Health and Genetics/Laboratory Corporation of America, LabCorp
Classification: Uncertain significance. Last evaluated: 2025-07-11. Review status: criteria provided, single submitter. Criteria: LabCorp Variant Classification Summary - May 2015. Collection method: clinical testing. Allele origin: germline.
Comment: Variant summary: CHD5 c.166C>T (p.Leu56Phe) results in a non-conservative amino acid change in the encoded protein sequence. Algorithms developed to predict the effect of missense changes on protein structure and function are either unavailable or do not agree on the potential impact of this missense change. The variant was absent in 251272 control chromosomes. The available data on variant occurrences in the general population are insufficient to allow any conclusion about variant significance. To our knowledge, no occurrence of c.166C>T in individuals affected with Parenti-Mignot Neurodevelopmental Syndrome and no experimental evidence demonstrating its impact on protein function have been reported. No submitters have cited clinical-significance assessments for this variant to ClinVar. Based on the evidence outlined above, the variant was classified as uncertain significance.

NM_015557.3(CHD5):c.166C>T (p.Leu56Phe)

Gene: CHD5 (chromodomain helicase DNA binding protein 5; minus strand). Cytogenetic location: 1p36.31.
Variant type: single nucleotide variant.
Coding change: c.166C>T on transcript NM_015557.3 (MANE Select); coding-DNA position 166, C replaced by T.
Protein change: p.Leu56Phe; replaces leucine 56 with phenylalanine.
Molecular consequence: missense variant.
Genome position (GRCh38, 1-based): chr1:6,168,191, G>A on the plus strand (C>T on the coding strand, the complement: CHD5 is on the minus strand). VCF-style: chr1-6168191-G-A. GRCh37 (hg19) VCF-style: chr1-6228251-G-A.
Other names: short protein forms L56F.
Identifiers: ClinVar variation 4525973 (VCV004525973.1).